The following is an entry in ClinVar:

NM_003640.5(ELP1):c.452A>T (p.Asp151Val)

Gene: ELP1 (elongator acetyltransferase complex subunit 1; minus strand). Cytogenetic location: 9q31.3.
Variant type: single nucleotide variant.
Coding change: c.452A>T on transcript NM_003640.5 (MANE Select); coding-DNA position 452, A replaced by T.
Protein change: p.Asp151Val; replaces aspartic acid 151 with valine.
Molecular consequence: missense variant. On other transcripts: 5 prime UTR variant (1).
Genome position (GRCh38, 1-based): chr9:108,926,537, T>A on the plus strand (A>T on the coding strand, the complement: ELP1 is on the minus strand). VCF-style: chr9-108926537-T-A. GRCh37 (hg19) VCF-style: chr9-111688817-T-A.
Other names: c.110A>T, p.Asp37Val (NM_001318360.2); c.-408A>T (NM_001330749.2); short protein forms D151V, D37V.
Identifiers: ClinVar variation 1001733 (VCV001001733.7), dbSNP rs1829829317, ClinGen allele CA374391078.

ClinVar aggregate classification (germline): Uncertain significance. Review status: criteria provided, single submitter (1 of 4 stars). 2 submissions from 2 submitters: Uncertain significance (1). 1 of the submissions does not count toward it. Last evaluated 2021-09-01.

Conditions:
Familial dysautonomia. Also called: FD; HSAN III. Identifiers: Orphanet 1764, MedGen C0013364, MONDO:0009131, OMIM 223900. Disease mechanism: loss of function.

Allele frequency attached by ClinVar (database versions not stated): gnomAD exomes below 0.00001.
gnomAD v4.1: 2 of 1,612,796 alleles (0.00012%); highest among the groups gnomAD compares: Non-Finnish European, 0.00017%; no homozygotes.

Submissions (2):

Labcorp Genetics (formerly Invitae), Labcorp
Classification: Uncertain significance. Last evaluated: 2021-09-01. Review status: criteria provided, single submitter. Criteria: Invitae Variant Classification Sherloc (09022015). Collection method: clinical testing. Allele origin: germline.
Comment: This sequence change replaces aspartic acid with valine at codon 151 of the ELP1 protein (p.Asp151Val). The aspartic acid residue is moderately conserved and there is a large physicochemical difference between aspartic acid and valine. This variant is not present in population databases (ExAC no frequency). This variant has not been reported in the literature in individuals affected with ELP1-related conditions. Algorithms developed to predict the effect of missense changes on protein structure and function are either unavailable or do not agree on the potential impact of this missense change (SIFT: "Deleterious"; PolyPhen-2: "Possibly Damaging"; Align-GVGD: "Class C0"). Algorithms developed to predict the effect of sequence changes on RNA splicing suggest that this variant may create or strengthen a splice site. In summary, the available evidence is currently insufficient to determine the role of this variant in disease. Therefore, it has been classified as a Variant of Uncertain Significance.

Natera, Inc.
Classification: Uncertain significance for Familial dysautonomia. Last evaluated: 2020-05-05. Review status: no assertion criteria provided. Collection method: clinical testing. Allele origin: germline. Not counted in ClinVar's aggregate classification.